The following is an entry in ClinVar:

NM_194454.3(KRIT1):c.763C>G (p.Leu255Val)

Gene: KRIT1 (KRIT1 ankyrin repeat containing; minus strand). Cytogenetic location: 7q21.2.
Variant type: single nucleotide variant.
Coding change: c.763C>G on transcript NM_194454.3 (MANE Select); coding-DNA position 763, C replaced by G.
Protein change: p.Leu255Val; replaces leucine 255 with valine.
Molecular consequence: missense variant.
Genome position (GRCh38, 1-based): chr7:92,234,890, G>C on the plus strand (C>G on the coding strand, the complement: KRIT1 is on the minus strand). VCF-style: chr7-92234890-G-C. GRCh37 (hg19) VCF-style: chr7-91864204-G-C.
Other names: c.763C>G, p.Leu255Val (NM_194456.1, NM_001013406.2, NM_001350669.1 and 29 more transcripts); c.49C>G, p.Leu17Val (NM_001350671.1); short protein forms L17V, L255V.
Identifiers: ClinVar variation 4737512 (VCV004737512.1).

ClinVar aggregate classification (germline): Uncertain significance (1 of 4 stars; one submission).

Conditions:
Cerebral cavernous malformation (CCM). Also called: Cerebral cavernous malformations; Cavernous Hemangioma of Brain; Cerebral cavernous hemangioma (type); CAVERNOUS ANGIOMA, FAMILIAL; CAVERNOUS ANGIOMATOUS MALFORMATIONS; CEREBRAL CAPILLARY MALFORMATIONS. Identifiers: Orphanet 221061, MedGen C2919945, MONDO:0000820, OMIM 116860, HP:0033522.

Submission:

Labcorp Genetics (formerly Invitae), Labcorp
Classification: Uncertain significance for Cerebral cavernous malformation. Last evaluated: 2025-05-28. Review status: criteria provided, single submitter. Criteria: Invitae Variant Classification Sherloc (09022015). Collection method: clinical testing. Allele origin: germline.
Comment: This sequence change replaces leucine, which is neutral and non-polar, with valine, which is neutral and non-polar, at codon 255 of the KRIT1 protein (p.Leu255Val). This variant is present in population databases (rs148671212, gnomAD 0.0009%). This variant has not been reported in the literature in individuals affected with KRIT1-related conditions. Invitae Evidence Modeling of protein sequence and biophysical properties (such as structural, functional, and spatial information, amino acid conservation, physicochemical variation, residue mobility, and thermodynamic stability) indicates that this missense variant is not expected to disrupt KRIT1 protein function with a negative predictive value of 80%. In summary, the available evidence is currently insufficient to determine the role of this variant in disease. Therefore, it has been classified as a Variant of Uncertain Significance.